The following is an entry in ClinVar:

ClinVar aggregate classification (germline): Pathogenic (1 of 4 stars; one submission).

Conditions:
Pyogenic bacterial infections due to MyD88 deficiency (IMD68). Also called: PYOGENIC BACTERIAL INFECTIONS, RECURRENT, DUE TO MYD88 DEFICIENCY. Identifiers: Orphanet 183713, MedGen C2677092, MONDO:0012839, OMIM 612260.

Submission:

Labcorp Genetics (formerly Invitae), Labcorp
Classification: Pathogenic for Pyogenic bacterial infections due to MyD88 deficiency. Last evaluated: 2023-01-09. Review status: criteria provided, single submitter. Criteria: Invitae Variant Classification Sherloc (09022015). Collection method: clinical testing. Allele origin: germline.
Comment: For these reasons, this variant has been classified as Pathogenic. This variant has not been reported in the literature in individuals affected with MYD88-related conditions. This variant is not present in population databases (gnomAD no frequency). This sequence change creates a premature translational stop signal (p.Val99Argfs*24) in the MYD88 gene. It is expected to result in an absent or disrupted protein product. Loss-of-function variants in MYD88 are known to be pathogenic (PMID: 18669862, 20538326).

Literature cited by the submitters: PubMed 18669862; PubMed 20538326.

NM_002468.5(MYD88):c.256_257del (p.Val86fs)

Gene: MYD88 (MYD88 innate immune signal transduction adaptor; plus strand). Cytogenetic location: 3p22.2.
Variant type: Deletion.
Coding change: c.256_257del on transcript NM_002468.5 (MANE Select); coding-DNA positions 256 to 257, 2 bases deleted (GT; older notation c.256_257delGT).
Protein change: p.Val86fs; shifts the reading frame from valine 86.
Molecular consequence: frameshift variant.
Genome position (GRCh38, 1-based): chr3:38,138,956-38,138,957, GT deleted; deleting any 2 consecutive bases within chr3:38,138,955-38,138,957 gives the same sequence; the c. name uses the placement nearest the transcript's 3' end. VCF-style (leftmost placement, unchanged base first): chr3-38138954-CTG-C. GRCh37 (hg19) VCF-style: chr3-38180445-CTG-C.
Other names: c.256_257del, p.Val86fs (NM_001172566.2, NM_001172567.2, NM_001172568.2 and 4 more transcripts); short protein forms V86fs.
Identifiers: ClinVar variation 2135205 (VCV002135205.4), dbSNP rs2471593660, ClinGen allele CA2580069550.
Genomic context (GRCh38, chr3:38,138,954, plus strand): 5'-AGACACAAGCGGACCCCACTGGCAGGCTGCTGGACGCCTGGCAGGGACGCCCTGGCGCCT[CTG>C]TAGGCCGACTGCTCGAGCTGCTTACCAAGCTGGGCCGCGACGACGTGCTGCTGGAGCTGG-3'